The following is an entry in ClinVar:

NM_002187.3(IL12B):c.88+4A>G

Gene: IL12B (interleukin 12B; minus strand). Cytogenetic location: 5q33.3.
Variant type: single nucleotide variant.
Coding change: c.88+4A>G on transcript NM_002187.3 (MANE Select); 4 bases into the intron after coding-DNA position 88, A replaced by G.
Molecular consequence: intron variant.
Genome position (GRCh38, 1-based): chr5:159,326,691, T>C on the plus strand (A>G on the coding strand, the complement: IL12B is on the minus strand). VCF-style: chr5-159326691-T-C. GRCh37 (hg19) VCF-style: chr5-158753699-T-C.
Identifiers: ClinVar variation 568729 (VCV000568729.5), dbSNP rs764341354, ClinGen allele CA891842623.
Genomic context (GRCh38, chr5:159,326,691, plus strand): 5'-TGGCTGCCCAAGAGTCCTGGCTTAGAAGTGGGGCCTCCACAGAGAATAATGAGAGGCTGG[T>C]TACCATCTTTCTTCAGTTCCCATATGGCCACGAGGGGAGATGCCAGAAAAACCAGGGAAA-3'

ClinVar aggregate classification (germline): Uncertain significance (1 of 4 stars; one submission).

Conditions:
Mendelian susceptibility to mycobacterial diseases due to complete IL12B deficiency. Also called: Immunodeficiency 29; IL12B DEFICIENCY. Identifiers: Orphanet 319558, MedGen C4013948, MONDO:0013954, OMIM 614890.

Submission:

Labcorp Genetics (formerly Invitae), Labcorp
Classification: Uncertain significance for Mendelian susceptibility to mycobacterial diseases due to complete IL12B deficiency. Last evaluated: 2022-09-01. Review status: criteria provided, single submitter. Criteria: Invitae Variant Classification Sherloc (09022015). Collection method: clinical testing. Allele origin: germline.
Comment: This sequence change falls in intron 2 of the IL12B gene. It does not directly change the encoded amino acid sequence of the IL12B protein. It affects a nucleotide within the consensus splice site. This variant is not present in population databases (gnomAD no frequency). This variant has not been reported in the literature in individuals affected with IL12B-related conditions. ClinVar contains an entry for this variant (Variation ID: 568729). Variants that disrupt the consensus splice site are a relatively common cause of aberrant splicing (PMID: 17576681, 9536098). Algorithms developed to predict the effect of sequence changes on RNA splicing suggest that this variant may disrupt the consensus splice site. In summary, the available evidence is currently insufficient to determine the role of this variant in disease. Therefore, it has been classified as a Variant of Uncertain Significance.

Literature cited by the submitters: PubMed 17576681; PubMed 9536098.